The following is an entry in ClinVar:

NM_001386298.1(CIC):c.1327C>A (p.Pro443Thr)

Gene: CIC (capicua transcriptional repressor; plus strand). Cytogenetic location: 19q13.2.
Variant type: single nucleotide variant.
Coding change: c.1327C>A on transcript NM_001386298.1 (MANE Select); coding-DNA position 1327, C replaced by A.
Protein change: p.Pro443Thr; replaces proline 443 with threonine.
Molecular consequence: missense variant.
Genome position (GRCh38, 1-based): chr19:42,273,110, C>A. VCF-style: chr19-42273110-C-A. GRCh37 (hg19) VCF-style: chr19-42777262-C-A.
Other names: c.1327C>A, p.Pro443Thr (NM_001304815.2, NM_001379480.1, NM_001379482.1 and 6 more transcripts); short protein forms P443T.
Identifiers: ClinVar variation 4538261 (VCV004538261.1).

ClinVar aggregate classification (germline): Uncertain significance (1 of 4 stars; one submission).

Submission:

Greenwood Genetic Center Diagnostic Laboratories, Greenwood Genetic Center
Classification: Uncertain significance. Last evaluated: 2025-05-27. Review status: criteria provided, single submitter. Criteria: ACMG Guidelines, 2015. Collection method: clinical testing. Allele origin: germline. Affected: yes.
Comment: PM2, PP3